The following is an entry in ClinVar:

ClinVar aggregate classification (germline): Likely pathogenic (1 of 4 stars; one submission).

Conditions:
Microcephalic osteodysplastic primordial dwarfism type II (MOPD2). Also called: Microcephalic osteodysplastic primordial dwarfism with tooth abnormalities; MOPD II; OSTEODYSPLASTIC PRIMORDIAL DWARFISM, TYPE II. Identifiers: Orphanet 2637, MedGen C0432246, MONDO:0008872, OMIM 210720.

Submission:

3billion
Classification: Likely pathogenic for Microcephalic osteodysplastic primordial dwarfism type II. Last evaluated: 2025-07-17. Review status: criteria provided, single submitter. Criteria: ACMG Guidelines, 2015. Collection method: clinical testing. Allele origin: germline. Affected: yes.
Comment: The variant is observed at an extremely low frequency in the gnomAD v4.1.0 dataset (total allele frequency: <0.001%). Predicted Consequence/Location: Frameshift: predicted to result in a loss or disruption of normal protein function through nonsense-mediated decay (NMD) or protein truncation. Multiple pathogenic variants are reported downstream of the variant. Therefore, this variant is classified as Likely pathogenic according to the recommendation of ACMG/AMP guideline.

NM_006031.6(PCNT):c.8651_8652del (p.Glu2884fs)

Gene: PCNT (pericentrin; plus strand). Cytogenetic location: 21q22.3.
Variant type: Microsatellite.
Coding change: c.8651_8652del on transcript NM_006031.6 (MANE Select); coding-DNA positions 8651 to 8652, 2 bases deleted (AG; older notation c.8651_8652delAG).
Protein change: p.Glu2884fs; shifts the reading frame from glutamic acid 2884.
Molecular consequence: frameshift variant. On other transcripts: intron variant (1).
Genome position (GRCh38, 1-based): chr21:46,432,115-46,432,116, AG deleted; deleting any 2 consecutive bases within chr21:46,432,113-46,432,116 gives the same sequence; the c. name uses the placement nearest the transcript's 3' end. VCF-style (leftmost placement, unchanged base first): chr21-46432112-AAG-A. GRCh37 (hg19) VCF-style: chr21-47852026-AAG-A.
Other names: c.8160+137_8160+138del (NM_001315529.2); short protein forms E2884fs.
Identifiers: ClinVar variation 4855798 (VCV004855798.1).